The following is an entry in ClinVar:

ClinVar aggregate classification (germline): Uncertain significance (1 of 4 stars; one submission).

Allele frequency attached by ClinVar (database versions not stated): ExAC 0.00002; gnomAD 0.00002; TOPMed 0.00003; gnomAD exomes 0.00004.
gnomAD v4.1: 60 of 1,612,678 alleles (0.0037%); highest among the groups gnomAD compares: Non-Finnish European, 0.005%; no homozygotes.

Submission:

Labcorp Genetics (formerly Invitae), Labcorp
Classification: Uncertain significance. Last evaluated: 2022-12-13. Review status: criteria provided, single submitter. Criteria: Invitae Variant Classification Sherloc (09022015). Collection method: clinical testing. Allele origin: germline.
Comment: Variants that disrupt the consensus splice site are a relatively common cause of aberrant splicing (PMID: 17576681, 9536098). Algorithms developed to predict the effect of sequence changes on RNA splicing suggest that this variant is not likely to affect RNA splicing. In summary, the available evidence is currently insufficient to determine the role of this variant in disease. Therefore, it has been classified as a Variant of Uncertain Significance. This variant has not been reported in the literature in individuals affected with MATN3-related conditions. This variant is present in population databases (rs778811287, gnomAD 0.007%). This sequence change falls in intron 4 of the MATN3 gene. It does not directly change the encoded amino acid sequence of the MATN3 protein. It affects a nucleotide within the consensus splice site.

Literature cited by the submitters: PubMed 17576681; PubMed 9536098.

NM_002381.5(MATN3):c.1042+5G>A

Genes: MATN3 (matrilin 3; minus strand), WDR35-DT (WDR35 divergent transcript; plus strand). Cytogenetic location: 2p24.1.
Variant type: single nucleotide variant.
Coding change: c.1042+5G>A on transcript NM_002381.5 (MANE Select); 5 bases into the intron after coding-DNA position 1042, G replaced by A.
Molecular consequence: intron variant.
Genome position (GRCh38, 1-based): chr2:20,001,950, C>T on the plus strand (G>A on the coding strand, the complement: MATN3 is on the minus strand). VCF-style: chr2-20001950-C-T. GRCh37 (hg19) VCF-style: chr2-20201711-C-T.
Identifiers: ClinVar variation 3009223 (VCV003009223.3), dbSNP rs778811287, ClinGen allele CA1543826.